The following is an entry in ClinVar:

ClinVar aggregate classification (germline): Uncertain significance (1 of 4 stars; one submission).

Conditions:
Warts, hypogammaglobulinemia, infections, and myelokathexis. Also called: WHIM syndrome. Identifiers: MedGen C0472817, MONDO:0023880.

Allele frequency attached by ClinVar (database versions not stated): gnomAD exomes below 0.00001.
gnomAD v4.1: 1 of 1,614,190 alleles (0.000062%); highest among the groups gnomAD compares: Admixed American, 0.0017%; no homozygotes.

Submission:

Labcorp Genetics (formerly Invitae), Labcorp
Classification: Uncertain significance for Warts, hypogammaglobulinemia, infections, and myelokathexis. Last evaluated: 2021-05-18. Review status: criteria provided, single submitter. Criteria: Invitae Variant Classification Sherloc (09022015). Collection method: clinical testing. Allele origin: germline.
Comment: In summary, the available evidence is currently insufficient to determine the role of this variant in disease. Therefore, it has been classified as a Variant of Uncertain Significance. Algorithms developed to predict the effect of missense changes on protein structure and function (SIFT, PolyPhen-2, Align-GVGD) all suggest that this variant is likely to be disruptive, but these predictions have not been confirmed by published functional studies and their clinical significance is uncertain. This variant has not been reported in the literature in individuals with CXCR4-related conditions. This variant is not present in population databases (ExAC no frequency). This sequence change replaces cysteine with phenylalanine at codon 251 of the CXCR4 protein (p.Cys251Phe). The cysteine residue is highly conserved and there is a large physicochemical difference between cysteine and phenylalanine.

NM_003467.3(CXCR4):c.752G>T (p.Cys251Phe)

Gene: CXCR4 (C-X-C motif chemokine receptor 4; minus strand). Cytogenetic location: 2q22.1.
Variant type: single nucleotide variant.
Coding change: c.752G>T on transcript NM_003467.3 (MANE Select); coding-DNA position 752, G replaced by T.
Protein change: p.Cys251Phe; replaces cysteine 251 with phenylalanine.
Molecular consequence: missense variant.
Genome position (GRCh38, 1-based): chr2:136,115,176, C>A on the plus strand (G>T on the coding strand, the complement: CXCR4 is on the minus strand). VCF-style: chr2-136115176-C-A. GRCh37 (hg19) VCF-style: chr2-136872746-C-A.
Other names: c.764G>T, p.Cys255Phe (NM_001008540.2); c.965G>T, p.Cys322Phe (NM_001348056.2); c.851G>T, p.Cys284Phe (NM_001348059.2); c.707G>T, p.Cys236Phe (NM_001348060.2); short protein forms C284F, C322F, C236F, C251F, C255F.
Identifiers: ClinVar variation 1424509 (VCV001424509.8), dbSNP rs2104916053, ClinGen allele CA348658056.